The following is an entry in ClinVar:

ClinVar aggregate classification (germline): Uncertain significance (1 of 4 stars; one submission).

gnomAD v4.1: 29 of 1,613,392 alleles (0.0018%); highest among the groups gnomAD compares: African/African-American, 0.0027%; no homozygotes.

Submission:

Labcorp Genetics (formerly Invitae), Labcorp
Classification: Uncertain significance. Last evaluated: 2024-07-10. Review status: criteria provided, single submitter. Criteria: Invitae Variant Classification Sherloc (09022015). Collection method: clinical testing. Allele origin: germline.
Comment: This sequence change replaces alanine, which is neutral and non-polar, with valine, which is neutral and non-polar, at codon 1660 of the NIN protein (p.Ala1660Val). This variant is present in population databases (rs201587373, gnomAD 0.003%). This variant has not been reported in the literature in individuals affected with NIN-related conditions. An algorithm developed to predict the effect of missense changes on protein structure and function (PolyPhen-2) suggests that this variant is likely to be tolerated. In summary, the available evidence is currently insufficient to determine the role of this variant in disease. Therefore, it has been classified as a Variant of Uncertain Significance.

NM_020921.4(NIN):c.4979C>T (p.Ala1660Val)

Gene: NIN (ninein; minus strand). Cytogenetic location: 14q22.1.
Variant type: single nucleotide variant.
Coding change: c.4979C>T on transcript NM_020921.4 (MANE Select); coding-DNA position 4979, C replaced by T.
Protein change: p.Ala1660Val; replaces alanine 1660 with valine.
Molecular consequence: missense variant.
Genome position (GRCh38, 1-based): chr14:50,748,077, G>A on the plus strand (C>T on the coding strand, the complement: NIN is on the minus strand). VCF-style: chr14-50748077-G-A. GRCh37 (hg19) VCF-style: chr14-51214795-G-A.
Other names: c.2840C>T, p.Ala947Val (NM_016350.5); c.4979C>T, p.Ala1660Val (NM_182944.3, NM_182946.2); short protein forms A947V, A1660V.
Identifiers: ClinVar variation 3710870 (VCV003710870.2).